The following is an entry in ClinVar:

NM_145200.5(CABP4):c.673C>T (p.Arg225Ter)

Gene: CABP4 (calcium binding protein 4; plus strand). Cytogenetic location: 11q13.2.
Variant type: single nucleotide variant.
Coding change: c.673C>T on transcript NM_145200.5 (MANE Select); coding-DNA position 673, C replaced by T.
Protein change: p.Arg225Ter; replaces arginine 225 with a stop codon.
Molecular consequence: nonsense. On other transcripts: non-coding transcript variant (1).
Genome position (GRCh38, 1-based): chr11:67,458,392, C>T. VCF-style: chr11-67458392-C-T. GRCh37 (hg19) VCF-style: chr11-67225863-C-T.
Other names: c.358C>T, p.Arg120Ter (NM_001300895.3, NM_001300896.3, NM_001379183.1); short protein forms R225*, R120*.
Identifiers: ClinVar variation 438047 (VCV000438047.18), dbSNP rs531851447, ClinGen allele CA6140315.

ClinVar aggregate classification (germline): Pathogenic. Review status: criteria provided, multiple submitters, no conflicts (2 of 4 stars). 7 submissions from 7 submitters: Pathogenic (5). 2 of the submissions do not count toward it. Last evaluated 2025-11-13.

Conditions:
CABP4-related disorder. Also called: CABP4-related condition.
Cone-rod synaptic disorder, congenital nonprogressive. Also called: NIGHT BLINDNESS, CONGENITAL STATIONARY, INCOMPLETE, AUTOSOMAL RECESSIVE. Identifiers: Orphanet 215, MedGen C4041558, MONDO:0012490, OMIM 610427.
Cone dystrophy. Identifiers: Orphanet 1871, MedGen C0730290, MONDO:0000455.
Retinal dystrophy. Also called: Inherited retinal dystrophy. Identifiers: Orphanet 71862, MedGen C0854723, MeSH D058499, MONDO:0019118, HP:0000556.

Allele frequency attached by ClinVar (database versions not stated): 1000 Genomes Project 0.00020; ExAC 0.00001; gnomAD exomes 0.00001; gnomAD 0.00002; TOPMed 0.00002; 1000 Genomes Project 30x 0.00016.
gnomAD v4.1: 17 of 1,612,438 alleles (0.0011%); highest among the groups gnomAD compares: Admixed American, 0.005%; no homozygotes.

Submissions (7):

3billion
Classification: Pathogenic for Cone-rod synaptic disorder, congenital nonprogressive. Last evaluated: 2025-11-13. Review status: criteria provided, single submitter. Criteria: ACMG Guidelines, 2015. Collection method: clinical testing. Allele origin: germline. Affected: yes.
Comment: The variant is observed at an extremely low frequency in the gnomAD v4.1.0 dataset (total allele frequency: 0.001%). Predicted Consequence/Location: Stop-gained (nonsense): predicted to result in a loss or disruption of normal protein function through nonsense-mediated decay (NMD) or protein truncation. Multiple pathogenic variants are reported downstream of the variant. The variant has been reported at least twice as pathogenic with clinical assertions and evidence for the classification (ClinVar ID: VCV000438047 /PMID: 28041643). Therefore, this variant is classified as Pathogenic according to the recommendation of ACMG/AMP guideline.

Blueprint Genetics
Classification: Pathogenic for CABP4-related disorders. Last evaluated: 2024-10-16. Review status: criteria provided, single submitter. Criteria: ACMG Guidelines, 2015. Collection method: clinical testing. Allele origin: germline. Affected: yes. Observed: 3 variant alleles.

Labcorp Genetics (formerly Invitae), Labcorp
Classification: Pathogenic. Last evaluated: 2020-07-15. Review status: criteria provided, single submitter. Criteria: Invitae Variant Classification Sherloc (09022015). Collection method: clinical testing. Allele origin: germline.
Comment: Loss-of-function variants in CABP4 are known to be pathogenic (PMID: 25307992). For these reasons, this variant has been classified as Pathogenic. This variant has been observed in individual(s) with cone-rod synaptic disorder (PMID: 28041643, 28341476, 29525873). In at least one individual the data is consistent with the variant being in trans (on the opposite chromosome) from a pathogenic variant. ClinVar contains an entry for this variant (Variation ID: 438047). This variant is present in population databases (rs531851447, ExAC 0.007%). This sequence change creates a premature translational stop signal (p.Arg225*) in the CABP4 gene. It is expected to result in an absent or disrupted protein product.

Institute of Human Genetics, Univ. Regensburg, Univ. Regensburg
Classification: Pathogenic for Retinal dystrophy. Last evaluated: 2019-01-01. Review status: criteria provided, single submitter. Criteria: ACMG Guidelines, 2015. Collection method: clinical testing. Allele origin: germline. Affected: yes.

Institute of Human Genetics, University of Leipzig Medical Center
Classification: Pathogenic for Cone-rod synaptic disorder, congenital nonprogressive. Last evaluated: 2018-02-14. Review status: criteria provided, single submitter. Criteria: ACMG Guidelines, 2015. Collection method: clinical testing. Allele origin: germline. Affected: yes. Observed: 1 variant allele.
Comment: This variant was identified as homozygous

NIHR Bioresource Rare Diseases, University of Cambridge
Classification: Likely pathogenic for Cone-rod dystrophy. Last evaluated: 2015-01-01. Review status: no assertion criteria provided. Collection method: research. Allele origin: unknown. Affected: yes. Observed: 1 variant allele. Not counted in ClinVar's aggregate classification.

Genomics England Pilot Project, Genomics England
Classification: Pathogenic for Cone-rod synaptic disorder, congenital nonprogressive. Review status: no assertion criteria provided. Criteria: ACGS Guidelines, 2016. Collection method: clinical testing. Allele origin: germline. Affected: yes. Not counted in ClinVar's aggregate classification.

Literature cited by the submitters: PubMed 28041643 (cited by 4 submitters); PubMed 25307992 (cited by Labcorp Genetics (formerly Invitae), Labcorp); PubMed 28341476 (cited by Labcorp Genetics (formerly Invitae), Labcorp and Institute of Human Genetics, Univ. Regensburg, Univ. Regensburg); PubMed 29525873 (cited by Labcorp Genetics (formerly Invitae), Labcorp and Institute of Human Genetics, Univ. Regensburg, Univ. Regensburg); PubMed 31964843 (cited by Institute of Human Genetics, Univ. Regensburg, Univ. Regensburg); PubMed 32581362 (cited by Institute of Human Genetics, Univ. Regensburg, Univ. Regensburg); PubMed 34426522 (cited by Institute of Human Genetics, Univ. Regensburg, Univ. Regensburg); PubMed 34758253 (cited by Institute of Human Genetics, Univ. Regensburg, Univ. Regensburg).